The following is an entry in ClinVar:

ClinVar aggregate classification (germline): Uncertain significance. Review status: criteria provided, multiple submitters, no conflicts (2 of 4 stars). 2 submissions from 2 submitters: Uncertain significance (2). Last evaluated 2025-10-02.

Conditions:
Age related macular degeneration 4. Identifiers: MedGen C1853147, MONDO:0012540, OMIM 610698.
Atypical hemolytic-uremic syndrome. Identifiers: Orphanet 2134, MedGen C2931788, MONDO:0016244.
Factor H deficiency (CFHD). Also called: COMPLEMENT FACTOR H DEFICIENCY; CFH DEFICIENCY. Identifiers: Orphanet 200421, MedGen C0398777, MONDO:0012350, OMIM 609814.
Basal laminar drusen. Also called: DRUSEN OF BRUCH MEMBRANE; DRUSEN, CUTICULAR; DRUSEN, EARLY ADULT-ONSET, GROUPED. Identifiers: Orphanet 75376, MedGen C0730295, MONDO:0007472, OMIM 126700.

Allele frequency attached by ClinVar (database versions not stated): gnomAD exomes below 0.00001.
gnomAD v4.1: 1 of 1,614,052 alleles (0.000062%); highest among the groups gnomAD compares: Non-Finnish European, 0.000085%; no homozygotes.

Submissions (2):

Genomenon, Inc
Classification: Uncertain significance for Basal laminar drusen; Age related macular degeneration 4; Atypical hemolytic-uremic syndrome; Factor H deficiency. Last evaluated: 2025-10-02. Review status: criteria provided, single submitter. Criteria: Genomenon Sequence Variant Interpretation Standards - Updated. Collection method: curation. Allele origin: germline. Affected: no.
Comment: CFH p.Thr987Ala (c.2959A>G) is a missense variant that changes the amino acid at residue 987 from Threonine to Alanine. This variant has been reported in the published literature (PMID:16281287;17089378). It is absent or not present at a significant frequency in gnomAD. In conclusion, we classify CFH p.Thr987Ala (c.2959A>G) as a variant of uncertain significance.

Labcorp Genetics (formerly Invitae), Labcorp
Classification: Uncertain significance. Last evaluated: 2023-02-23. Review status: criteria provided, single submitter. Criteria: Invitae Variant Classification Sherloc (09022015). Collection method: clinical testing. Allele origin: germline.
Comment: In summary, the available evidence is currently insufficient to determine the role of this variant in disease. Therefore, it has been classified as a Variant of Uncertain Significance. Algorithms developed to predict the effect of sequence changes on RNA splicing suggest that this variant may create or strengthen a splice site. An algorithm developed to predict the effect of missense changes on protein structure and function (PolyPhen-2) suggests that this variant is likely to be tolerated. This variant has not been reported in the literature in individuals affected with CFH-related conditions. This variant is not present in population databases (gnomAD no frequency). This sequence change replaces threonine, which is neutral and polar, with alanine, which is neutral and non-polar, at codon 987 of the CFH protein (p.Thr987Ala).

Literature cited by the submitters: PubMed 16281287 (cited by Genomenon, Inc); PubMed 17089378 (cited by Genomenon, Inc).

NM_000186.4(CFH):c.2959A>G (p.Thr987Ala)

Gene: CFH (complement factor H; plus strand). Cytogenetic location: 1q31.3.
Variant type: single nucleotide variant.
Coding change: c.2959A>G on transcript NM_000186.4 (MANE Select); coding-DNA position 2959, A replaced by G.
Protein change: p.Thr987Ala; replaces threonine 987 with alanine.
Molecular consequence: missense variant.
Genome position (GRCh38, 1-based): chr1:196,741,877, A>G. VCF-style: chr1-196741877-A-G. GRCh37 (hg19) VCF-style: chr1-196711007-A-G.
Other names: short protein forms T987A.
Identifiers: ClinVar variation 2734064 (VCV002734064.4), dbSNP rs2529544822, ClinGen allele CA343981324.